The following is an entry in ClinVar:

NM_022173.4(TIA1):c.143A>G (p.Tyr48Cys)

Gene: TIA1 (TIA1 cytotoxic granule associated RNA binding protein; minus strand). Cytogenetic location: 2p13.3.
Variant type: single nucleotide variant.
Coding change: c.143A>G on transcript NM_022173.4 (MANE Select); coding-DNA position 143, A replaced by G.
Protein change: p.Tyr48Cys; replaces tyrosine 48 with cysteine.
Molecular consequence: missense variant. On other transcripts: 5 prime UTR variant (6), non-coding transcript variant (17).
Genome position (GRCh38, 1-based): chr2:70,230,835, T>C on the plus strand (A>G on the coding strand, the complement: TIA1 is on the minus strand). VCF-style: chr2-70230835-T-C. GRCh37 (hg19) VCF-style: chr2-70457967-T-C.
Other names: c.143A>G, p.Tyr48Cys (NM_001351508.2, NM_001351510.2, NM_001351516.2 and 5 more transcripts); c.149A>G, p.Tyr50Cys (NM_001351509.2, NM_001351520.2); c.32A>G, p.Tyr11Cys (NM_001351511.1, NM_001351513.1); c.38A>G, p.Tyr13Cys (NM_001351512.1); c.-53A>G (NM_001351514.2, NM_001351523.2); c.-247A>G (NM_001351515.2); c.-496A>G (NM_001351517.2); c.-273A>G (NM_001351524.2); and 1 more; short protein forms Y48C, Y50C, Y11C, Y13C.
Identifiers: ClinVar variation 855071 (VCV000855071.8), dbSNP rs370430518, ClinGen allele CA1697714.
Genomic context (GRCh38, chr2:70,230,835, plus strand): 5'-CCATTCATAGCAGCTAATGCTGCAGCTGCATGACGATGCTCATGAAACTCCACAAAACAA[T>C]AGGGATCATTTCCAGCTGTCTGTGGGAGAAGAAACACAAAAGCCAATTTTAAGCTTTATT-3'
Protein context (NP_071505.2, residues 38-58): MIMDTAGNDP[Tyr48Cys]CFVEFHEHRH

ClinVar aggregate classification (germline): Uncertain significance. Review status: criteria provided, multiple submitters, no conflicts (2 of 4 stars). 2 submissions from 2 submitters: Uncertain significance (2). Last evaluated 2025-08-03.

Conditions:
Inborn genetic diseases. Identifiers: MedGen C0950123, MeSH D030342.
Welander distal myopathy (WDM). Also called: Welander distal myopathy, Swedish type; Distal myopathy, Swedish type; Gower's muscular dystrophy; MUSCULAR DYSTROPHY, DISTAL, LATE-ONSET, AUTOSOMAL DOMINANT. Identifiers: Orphanet 603, MedGen C0221054, MONDO:0011466, OMIM 604454.

Allele frequency attached by ClinVar (database versions not stated): gnomAD exomes 0.00001; TOPMed 0.00001; ExAC 0.00002; ESP Exome Variant Server 0.00008.
gnomAD v4.1: 8 of 1,611,348 alleles (0.0005%); highest among the groups gnomAD compares: East Asian, 0.0045%; no homozygotes.

Submissions (2):

Ambry Genetics
Classification: Uncertain significance for Inborn genetic diseases. Last evaluated: 2025-08-03. Review status: criteria provided, single submitter. Criteria: Ambry Variant Classification Scheme 2023. Collection method: clinical testing. Allele origin: germline.

Labcorp Genetics (formerly Invitae), Labcorp
Classification: Uncertain significance for Welander distal myopathy. Last evaluated: 2024-11-05. Review status: criteria provided, single submitter. Criteria: Invitae Variant Classification Sherloc (09022015). Collection method: clinical testing. Allele origin: germline.
Comment: This sequence change replaces tyrosine, which is neutral and polar, with cysteine, which is neutral and slightly polar, at codon 48 of the TIA1 protein (p.Tyr48Cys). This variant is present in population databases (rs370430518, gnomAD 0.006%). This variant has not been reported in the literature in individuals affected with TIA1-related conditions. ClinVar contains an entry for this variant (Variation ID: 855071). Invitae Evidence Modeling of protein sequence and biophysical properties (such as structural, functional, and spatial information, amino acid conservation, physicochemical variation, residue mobility, and thermodynamic stability) indicates that this missense variant is not expected to disrupt TIA1 protein function with a negative predictive value of 80%. In summary, the available evidence is currently insufficient to determine the role of this variant in disease. Therefore, it has been classified as a Variant of Uncertain Significance.